The following is an entry in ClinVar:

ClinVar aggregate classification (germline): Pathogenic/Likely pathogenic. Review status: criteria provided, multiple submitters, no conflicts (2 of 4 stars). 3 submissions from 3 submitters: Pathogenic (2); Likely pathogenic (1). Last evaluated 2025-01-13.

Conditions:
Loeys-Dietz syndrome 2 (LDS2). Also called: AORTIC ANEURYSM, FAMILIAL THORACIC 3; MARFAN SYNDROME, TYPE II; Marfan syndrome, type 2 (formerly); TGFBR2-Related Loeys-Dietz Syndrome; Marfan Syndrome type 2; Marfan like connective tissue disorder. Identifiers: Orphanet 284973, Orphanet 558, MedGen C2674574, MONDO:0012427, OMIM 610168.
Familial thoracic aortic aneurysm and aortic dissection (TAAD). Also called: Thoracic aortic aneurysms and dissections. Identifiers: Orphanet 91387, MedGen C4707243, MONDO:0019625.

Submissions (3):

GeneDx
Classification: Pathogenic. Last evaluated: 2025-01-13. Review status: criteria provided, single submitter. Criteria: GeneDx Variant Classification Process June 2021. Collection method: clinical testing. Allele origin: germline. Affected: yes.
Comment: Reported in a patient with Loeys-Dietz syndrome in published literature (PMID: 33494990); Not observed at significant frequency in large population cohorts (gnomAD); In silico analysis supports that this missense variant has a deleterious effect on protein structure/function; This variant is associated with the following publications: (PMID: 21267002, 16027248, 16799921, 19542084, 16251899, 16885183, 30675401, 33494990)

3billion
Classification: Likely pathogenic for Loeys-Dietz syndrome 2. Last evaluated: 2024-11-25. Review status: criteria provided, single submitter. Criteria: ACMG Guidelines, 2015. Collection method: clinical testing. Allele origin: germline. Affected: yes.
Comment: The variant is not observed in the gnomAD v4.1.0 dataset. Predicted Consequence/Location: Missense variant. Missense changes are a common disease-causing mechanism. In silico tool predictions suggest damaging effect of the variant on gene or gene product [REVEL: 0.91 (>=0.6, sensitivity 0.68 and specificity 0.92); 3Cnet: 0.99 (>=0.6, sensitivity 0.72 and precision 0.9)]. The same nucleotide change resulting in the same amino acid change has been previously reported to be associated with TGFBR2 related disorder (ClinVar ID: VCV000543900 /PMID: 21267002). Different missense changes at the same codon (p.Arg460Cys, p.Arg460Gly, p.Arg460His, p.Arg460Pro, p.Arg460Ser) have been reported as pathogenic/likely pathogenic with strong evidence (ClinVar ID: VCV000012514, VCV000012515, VCV001332770, VCV001332771, VCV001470300 /PMID: 16027248). Therefore, this variant is classified as Likely pathogenic according to the recommendation of ACMG/AMP guideline.

Labcorp Genetics (formerly Invitae), Labcorp
Classification: Pathogenic for Familial thoracic aortic aneurysm and aortic dissection. Last evaluated: 2024-02-17. Review status: criteria provided, single submitter. Criteria: Invitae Variant Classification Sherloc (09022015). Collection method: clinical testing. Allele origin: germline.
Comment: This sequence change replaces arginine, which is basic and polar, with leucine, which is neutral and non-polar, at codon 460 of the TGFBR2 protein (p.Arg460Leu). This variant is not present in population databases (gnomAD no frequency). This missense change has been observed in individual(s) with Loeys–Dietz syndrome and a TGFBR2-related disease (PMID: 21267002; Invitae). In at least one individual the variant was observed to be de novo. ClinVar contains an entry for this variant (Variation ID: 543900). Advanced modeling of protein sequence and biophysical properties (such as structural, functional, and spatial information, amino acid conservation, physicochemical variation, residue mobility, and thermodynamic stability) performed at Invitae indicates that this missense variant is expected to disrupt TGFBR2 protein function with a positive predictive value of 95%. This variant disrupts the p.Arg460 amino acid residue in TGFBR2. Other variant(s) that disrupt this residue have been determined to be pathogenic (PMID: 16027248, 21098638, 23884466). This suggests that this residue is clinically significant, and that variants that disrupt this residue are likely to be disease-causing. For these reasons, this variant has been classified as Pathogenic.

Literature cited by the submitters: PubMed 16027248 (cited by 3billion and Labcorp Genetics (formerly Invitae), Labcorp); PubMed 21267002 (cited by 3billion and Labcorp Genetics (formerly Invitae), Labcorp); PubMed 21098638 (cited by Labcorp Genetics (formerly Invitae), Labcorp); PubMed 23884466 (cited by Labcorp Genetics (formerly Invitae), Labcorp).

NM_003242.6(TGFBR2):c.1379G>T (p.Arg460Leu)

Gene: TGFBR2 (transforming growth factor beta receptor 2; plus strand). Cytogenetic location: 3p24.1.
Variant type: single nucleotide variant.
Coding change: c.1379G>T on transcript NM_003242.6 (MANE Select); coding-DNA position 1379, G replaced by T.
Protein change: p.Arg460Leu; replaces arginine 460 with leucine.
Molecular consequence: missense variant.
Genome position (GRCh38, 1-based): chr3:30,674,229, G>T. VCF-style: chr3-30674229-G-T. GRCh37 (hg19) VCF-style: chr3-30715721-G-T.
Other names: c.1454G>T, p.Arg485Leu (NM_001024847.3); c.1562G>T, p.Arg521Leu (NM_001407126.1); c.1487G>T, p.Arg496Leu (NM_001407127.1); c.1406G>T, p.Arg469Leu (NM_001407128.1); c.1382G>T, p.Arg461Leu (NM_001407129.1); c.1379G>T, p.Arg460Leu (NM_001407130.1); c.1274G>T, p.Arg425Leu (NM_001407132.1, NM_001407133.1, NM_001407134.1 and 2 more transcripts); c.1094G>T, p.Arg365Leu (NM_001407137.1); and 1 more; short protein forms R460L, R485L, R425L, R496L, R340L, R521L, R469L, R365L.
Identifiers: ClinVar variation 543900 (VCV000543900.10), dbSNP rs104893816, ClinGen allele CA351809138.
Genomic context (GRCh38, chr3:30,674,229, plus strand): 5'-AGTCCTTCAAGCAGACCGATGTCTACTCCATGGCTCTGGTGCTCTGGGAAATGACATCTC[G>T]CTGTAATGCAGTGGGAGGTAGGTGTGGACCAGCATCATTGTGTAGTGGTAAACTTGTCTT-3'
Protein context (NP_003233.4, residues 450-470): MALVLWEMTS[Arg460Leu]CNAVGEVKDY